The following is an entry in ClinVar:

ClinVar aggregate classification (germline): Conflicting classifications of pathogenicity. Review status: criteria provided, conflicting classifications (1 of 4 stars). 6 submissions from 6 submitters: Uncertain significance (5); Likely benign (1). Last evaluated 2025-05-22.

Conditions:
CDK4-related disorder. Also called: CDK4-related condition.
Hereditary cancer-predisposing syndrome. Also called: Hereditary Cancer Syndrome; Hereditary neoplastic syndrome; Neoplastic Syndromes, Hereditary; Tumor predisposition. Identifiers: Orphanet 140162, MedGen C0027672, MeSH D009386, MONDO:0015356.
Familial melanoma. Also called: Hereditary melanoma; Hereditary cutaneous melanoma. Identifiers: Orphanet 618, MedGen C1512419, MONDO:0018961.

Allele frequency attached by ClinVar (database versions not stated): TOPMed 0.00002; gnomAD 0.00003; 1000 Genomes Project 30x 0.00016; 1000 Genomes Project 0.00020.
gnomAD v4.1: 42 of 1,614,146 alleles (0.0026%); highest among the groups gnomAD compares: African/African-American, 0.015%; no homozygotes.

Submissions (6):

Ambry Genetics
Classification: Likely benign for Hereditary cancer-predisposing syndrome. Last evaluated: 2025-05-22. Review status: criteria provided, single submitter. Criteria: Ambry Variant Classification Scheme 2023. Collection method: clinical testing. Allele origin: germline.

Labcorp Genetics (formerly Invitae), Labcorp
Classification: Uncertain significance for Familial melanoma. Last evaluated: 2024-11-29. Review status: criteria provided, single submitter. Criteria: Invitae Variant Classification Sherloc (09022015). Collection method: clinical testing. Allele origin: germline.
Comment: This sequence change replaces valine, which is neutral and non-polar, with isoleucine, which is neutral and non-polar, at codon 137 of the CDK4 protein (p.Val137Ile). This variant is present in population databases (rs150281463, gnomAD 0.02%). This missense change has been observed in individual(s) with clinical features of CDK4-related conditions (PMID: 25980754). ClinVar contains an entry for this variant (Variation ID: 216268). Invitae Evidence Modeling of protein sequence and biophysical properties (such as structural, functional, and spatial information, amino acid conservation, physicochemical variation, residue mobility, and thermodynamic stability) indicates that this missense variant is not expected to disrupt CDK4 protein function with a negative predictive value of 95%. In summary, the available evidence is currently insufficient to determine the role of this variant in disease. Therefore, it has been classified as a Variant of Uncertain Significance.

GeneDx
Classification: Uncertain significance. Last evaluated: 2024-07-22. Review status: criteria provided, single submitter. Criteria: GeneDx Variant Classification Process June 2021. Collection method: clinical testing. Allele origin: germline. Affected: yes.
Comment: Not observed at significant frequency in large population cohorts (gnomAD); In silico analysis indicates that this missense variant does not alter protein structure/function; Observed in individuals with Lynch syndrome-related cancers and/or polyps (PMID: 25980754); This variant is associated with the following publications: (PMID: 36243179, 25980754)

Women's Health and Genetics/Laboratory Corporation of America, LabCorp
Classification: Uncertain significance. Last evaluated: 2024-07-01. Review status: criteria provided, single submitter. Criteria: LabCorp Variant Classification Summary - May 2015. Collection method: clinical testing. Allele origin: germline.
Comment: Variant summary: CDK4 c.409G>A (p.Val137Ile) results in a conservative amino acid change in the Protein kinase domain (IPR000719) of the encoded protein sequence. Four of five in-silico tools predict a benign effect of the variant on protein function. The variant allele was found at a frequency of 2.4e-05 in 326616 control chromosomes (gnomAD and Okawa_2023) . The available data on variant occurrences in the general population are insufficient to allow any conclusion about variant significance. To our knowledge, no occurrence of c.409G>A in individuals affected with Cutaneous Malignant Melanoma and no experimental evidence demonstrating its impact on protein function have been reported. The following publication have been ascertained in the context of this evaluation (PMID: 36243179). ClinVar contains an entry for this variant (Variation ID: 216268). Based on the evidence outlined above, the variant was classified as uncertain significance.

PreventionGenetics, part of Exact Sciences
Classification: Uncertain significance for CDK4-related condition. Last evaluated: 2023-05-04. Review status: criteria provided, single submitter. Criteria: ACMG Guidelines, 2015. Collection method: clinical testing. Allele origin: germline.
Comment: The CDK4 c.409G>A variant is predicted to result in the amino acid substitution p.Val137Ile. This variant has been reported in an individual undergoing Lynch syndrome genetic testing (Table S2, Yurgelun et al. 2015. PubMed ID: 25980754). This variant is reported in 5 of ~283,000 alleles in gnomAD. This variant is interpreted as uncertain significance in ClinVar. At this time, the clinical significance of this variant is uncertain due to the absence of conclusive functional and genetic evidence.

Quest Diagnostics Nichols Institute San Juan Capistrano
Classification: Uncertain significance. Last evaluated: 2019-06-24. Review status: criteria provided, single submitter. Criteria: Quest Diagnostics criteria. Collection method: clinical testing. Allele origin: germline.

Literature cited by the submitters: PubMed 25980754 (cited by Labcorp Genetics (formerly Invitae), Labcorp and Quest Diagnostics Nichols Institute San Juan Capistrano); PubMed 36243179 (cited by Women's Health and Genetics/Laboratory Corporation of America, LabCorp).

NM_000075.4(CDK4):c.409G>A (p.Val137Ile)

Gene: CDK4 (cyclin dependent kinase 4; minus strand). Cytogenetic location: 12q14.1.
Variant type: single nucleotide variant.
Coding change: c.409G>A on transcript NM_000075.4 (MANE Select); coding-DNA position 409, G replaced by A.
Protein change: p.Val137Ile; replaces valine 137 with isoleucine.
Molecular consequence: missense variant.
Genome position (GRCh38, 1-based): chr12:57,751,036, C>T on the plus strand (G>A on the coding strand, the complement: CDK4 is on the minus strand). VCF-style: chr12-57751036-C-T. GRCh37 (hg19) VCF-style: chr12-58144819-C-T.
Other names: c.409G>A (LRG_490t1); short protein forms V137I.
Identifiers: ClinVar variation 216268 (VCV000216268.26), dbSNP rs150281463, ClinGen allele CA338503.